The following is an entry in ClinVar:

NM_000528.4(MAN2B1):c.2180A>G (p.Lys727Arg)

Gene: MAN2B1 (mannosidase alpha class 2B member 1; minus strand). Cytogenetic location: 19p13.13.
Variant type: single nucleotide variant.
Coding change: c.2180A>G on transcript NM_000528.4 (MANE Select); coding-DNA position 2180, A replaced by G.
Protein change: p.Lys727Arg; replaces lysine 727 with arginine.
Molecular consequence: missense variant.
Genome position (GRCh38, 1-based): chr19:12,650,000, T>C on the plus strand (A>G on the coding strand, the complement: MAN2B1 is on the minus strand). VCF-style: chr19-12650000-T-C. GRCh37 (hg19) VCF-style: chr19-12760814-T-C.
Other names: c.2177A>G, p.Lys726Arg (NM_001173498.2); short protein forms K727R, K726R.
Identifiers: ClinVar variation 2169054 (VCV002169054.2), dbSNP rs201318291, ClinGen allele CA9226165.

ClinVar aggregate classification (germline): Uncertain significance. Review status: criteria provided, multiple submitters, no conflicts (2 of 4 stars). 2 submissions from 2 submitters: Uncertain significance (2). Last evaluated 2022-10-05.

Conditions:
Deficiency of alpha-mannosidase (MANSA). Also called: Alpha-Mannosidosis; Mannosidosis, alpha-, types I and II; LYSOSOMAL ALPHA-D-MANNOSIDASE DEFICIENCY. Identifiers: Orphanet 61, MedGen C0024748, MONDO:0009561, OMIM 248500.

Allele frequency attached by ClinVar (database versions not stated): gnomAD 0.00001; gnomAD exomes 0.00001; TOPMed 0.00001; ExAC 0.00002; 1000 Genomes Project 0.00020; 1000 Genomes Project 30x 0.00031.
gnomAD v4.1: 8 of 1,613,940 alleles (0.0005%); highest among the groups gnomAD compares: Admixed American, 0.012%; no homozygotes.

Submissions (2):

Labcorp Genetics (formerly Invitae), Labcorp
Classification: Uncertain significance for Deficiency of alpha-mannosidase. Last evaluated: 2022-10-05. Review status: criteria provided, single submitter. Criteria: Invitae Variant Classification Sherloc (09022015). Collection method: clinical testing. Allele origin: germline.
Comment: This sequence change replaces lysine, which is basic and polar, with arginine, which is basic and polar, at codon 727 of the MAN2B1 protein (p.Lys727Arg). This variant is present in population databases (rs201318291, gnomAD 0.009%). This variant has not been reported in the literature in individuals affected with MAN2B1-related conditions. Advanced modeling of protein sequence and biophysical properties (such as structural, functional, and spatial information, amino acid conservation, physicochemical variation, residue mobility, and thermodynamic stability) has been performed at Invitae for this missense variant, however the output from this modeling did not meet the statistical confidence thresholds required to predict the impact of this variant on MAN2B1 protein function. Algorithms developed to predict the effect of sequence changes on RNA splicing suggest that this variant may disrupt the consensus splice site. In summary, the available evidence is currently insufficient to determine the role of this variant in disease. Therefore, it has been classified as a Variant of Uncertain Significance.

Blueprint Genetics
Classification: Uncertain significance. Last evaluated: 2021-07-12. Review status: criteria provided, single submitter. Criteria: ACMG Guidelines, 2015. Collection method: clinical testing. Allele origin: germline.